The following is an entry in ClinVar:

ClinVar aggregate classification (germline): Uncertain significance (0 of 4 stars; one submission).

Conditions:
Fanconi anemia complementation group B (FANCB). Also called: FANCONI PANCYTOPENIA, TYPE 2; FANCB-Related Fanconi Anemia. Identifiers: Orphanet 84, MedGen C1845292, MONDO:0010351, OMIM 300514.

Submission:

Leiden Open Variation Database
Classification: Uncertain significance for Fanconi anemia complementation group B. Last evaluated: 2019-09-27. Review status: no assertion criteria provided. Collection method: curation. Allele origin: germline. Affected: yes.
Comment: Curator: Arleen D. Auerbach. Submitter to LOVD: Arleen D. Auerbach.

Literature cited by the submitters: PubMed 23613520.

NM_152633.4(FANCB):c.-70-3463_951dup

Gene: FANCB (FA complementation group B; minus strand). Cytogenetic location: Xp22.2.
Variant type: Duplication.
Coding change: c.-70-3463_951dup on transcript NM_152633.4; 3463 bases into the intron before 70 bases upstream of the start codon through coding-DNA position 951, 4,484 bases duplicated.
Molecular consequence: splice acceptor variant, initiator codon variant.
Genome position (GRCh38, 1-based): chrX:14,864,560-14,869,043, 4,484 bases duplicated. GRCh37 (hg19): chrX:14,882,684-14,887,167.
Other names: NM_001018113.1:c.-191_951+?dup.
Identifiers: ClinVar variation 691296 (VCV000691296.4), ClinGen allele CA915950779.